The following is an entry in ClinVar:

NM_139058.3(ARX):c.596C>G (p.Thr199Arg)

Gene: ARX (aristaless related homeobox; minus strand). Cytogenetic location: Xp21.3.
Variant type: single nucleotide variant.
Coding change: c.596C>G on transcript NM_139058.3 (MANE Select); coding-DNA position 596, C replaced by G.
Protein change: p.Thr199Arg; replaces threonine 199 with arginine.
Molecular consequence: missense variant.
Genome position (GRCh38, 1-based): chrX:25,013,399, G>C on the plus strand (C>G on the coding strand, the complement: ARX is on the minus strand). VCF-style: chrX-25013399-G-C. GRCh37 (hg19) VCF-style: chrX-25031516-G-C.
Other names: short protein forms T199R.
Identifiers: ClinVar variation 512275 (VCV000512275.14), dbSNP rs1268774120, ClinGen allele CA412612841.

ClinVar aggregate classification (germline): Conflicting classifications of pathogenicity. Review status: criteria provided, conflicting classifications (1 of 4 stars). 6 submissions from 6 submitters: Uncertain significance (3); Likely benign (1). 2 of the submissions do not count toward it. Last evaluated 2025-12-03.

Conditions:
Inborn genetic diseases. Identifiers: MedGen C0950123, MeSH D030342.
Intellectual disability, X-linked, with or without seizures, ARX-related. Also called: MENTAL RETARDATION, X-LINKED 29; MENTAL RETARDATION, X-LINKED 32; MENTAL RETARDATION, X-LINKED 33; MENTAL RETARDATION, X-LINKED 38; MENTAL RETARDATION, X-LINKED 43; MENTAL RETARDATION, X-LINKED 76. Identifiers: Orphanet 777, MedGen C0796244, MONDO:0010317, OMIM 300419.
Developmental and epileptic encephalopathy, 1 (DEE1). Also called: X-linked infantile spasms; West's syndrome; Tonic spasms with clustering, arrest of psychomotor development and hypsarrhythmia on EEG; X-Linked Infantile Spasm Syndrome; OHTAHARA SYNDROME, X-LINKED; INFANTILE SPASM SYNDROME, X-LINKED 1. Identifiers: MedGen C3463992, MONDO:0010632, OMIM 308350. Disease mechanism: loss of function.

Allele frequency attached by ClinVar (database versions not stated): TOPMed 0.00003.
gnomAD v4.1: 29 of 1,079,011 alleles (0.0027%); highest among the groups gnomAD compares: Non-Finnish European, 0.0033%; no homozygotes.

Submissions (6):

Labcorp Genetics (formerly Invitae), Labcorp
Classification: Uncertain significance for Developmental and epileptic encephalopathy, 1; Intellectual disability, X-linked, with or without seizures, ARX-related. Last evaluated: 2025-12-03. Review status: criteria provided, single submitter. Criteria: Invitae Variant Classification Sherloc (09022015). Collection method: clinical testing. Allele origin: germline.
Comment: This sequence change replaces threonine, which is neutral and polar, with arginine, which is basic and polar, at codon 199 of the ARX protein (p.Thr199Arg). This variant is present in population databases (no rsID available, gnomAD 0.006%). This variant has not been reported in the literature in individuals affected with ARX-related conditions. ClinVar contains an entry for this variant (Variation ID: 512275). Invitae Evidence Modeling of protein sequence and biophysical properties (such as structural, functional, and spatial information, amino acid conservation, physicochemical variation, residue mobility, and thermodynamic stability) indicates that this missense variant is not expected to disrupt ARX protein function with a negative predictive value of 95%. In summary, the available evidence is currently insufficient to determine the role of this variant in disease. Therefore, it has been classified as a Variant of Uncertain Significance.

Ambry Genetics
Classification: Uncertain significance for Inborn genetic diseases. Last evaluated: 2024-01-03. Review status: criteria provided, single submitter. Criteria: Ambry Variant Classification Scheme 2023. Collection method: clinical testing. Allele origin: germline.

Laboratorio de Genetica e Diagnostico Molecular, Hospital Israelita Albert Einstein
Classification: Uncertain significance. Last evaluated: 2020-08-14. Review status: criteria provided, single submitter. Criteria: ACMG Guidelines, 2015. Collection method: clinical testing. Allele origin: germline. Affected: yes.
Comment: ACMG classification criteria: PM2, BP4

GeneDx
Classification: Likely benign. Last evaluated: 2020-04-21. Review status: criteria provided, single submitter. Criteria: GeneDx Variant Classification Process June 2021. Collection method: clinical testing. Allele origin: germline. Affected: yes.

Clinical Genetics DNA and cytogenetics Diagnostics Lab, Erasmus MC, Erasmus Medical Center
Classification: Likely benign. Review status: no assertion criteria provided. Collection method: clinical testing. Allele origin: germline. Affected: yes. Study: VKGL Data-share Consensus. Not counted in ClinVar's aggregate classification.

Laboratory of Diagnostic Genome Analysis, Leiden University Medical Center (LUMC)
Classification: Likely benign. Review status: no assertion criteria provided. Collection method: clinical testing. Allele origin: germline. Affected: yes. Study: VKGL Data-share Consensus. Not counted in ClinVar's aggregate classification.